The following is an entry in ClinVar:

ClinVar aggregate classification (germline): Conflicting classifications of pathogenicity. Review status: criteria provided, conflicting classifications (1 of 4 stars). 10 submissions from 10 submitters: Pathogenic (1); Likely pathogenic (7); Uncertain significance (2). Last evaluated 2026-08-03.

Conditions:
HNF1B-related disorder. Also called: HNF1B-related condition; HNF1B-related disorders.
Renal cysts and diabetes syndrome (RCAD). Also called: Familial hypoplastic, glomerulocystic kidney; MATURITY-ONSET DIABETES OF THE YOUNG, TYPE 5. Identifiers: Orphanet 93111, MedGen C0431693, MONDO:0007669, OMIM 137920.

gnomAD v4.1: 1 of 1,614,144 alleles (0.000062%); highest among the groups gnomAD compares: Non-Finnish European, 0.000085%; no homozygotes.

Submissions (10):

PreventionGenetics, part of Exact Sciences
Classification: Likely pathogenic for HNF1B-related condition. Last evaluated: 2026-08-03. Review status: criteria provided, single submitter. Criteria: ACMG Guidelines, 2015. Collection method: clinical testing. Allele origin: germline.
Comment: The HNF1B c.703C>T variant is predicted to result in the amino acid substitution p.Arg235Trp. This variant has been reported in individuals with mature onset diabetes of the young (MODY); in at least three instances, a family history of diabetes was noted (Dusatkova et al. 2014. PubMed ID: 24698406; Table 2, Ağladıoğlu et al. 2016. PubMed ID: 26669242; Table S5, Johnson et al. 2018. PubMed ID: 30191644; Veerareddy et al. 2023. PubMed ID: 37799485). This variant has also been reported, along with a PKD1 missense variant, in an individual with bilateral renal cysts and chronic kidney disease (Table S2, Domingo-Gallego et al. 2022. PubMed ID: 33532864). In addition, another missense change at this position (p.Arg235Gln) has been reported in multiple individuals with MODY and to segregate with the disease in one family (Bellanne-Chantelot et al. 2005. PubMed ID: 16249435; Doğan. 2022. PubMed ID: 35733065; Maltoni et al. 2022. PubMed ID: 36294752). This variant has not been reported in a large population database (gnomAD), indicating this variant is rare. This variant is interpreted as likely pathogenic.

GeneDx
Classification: Likely pathogenic. Last evaluated: 2026-02-20. Review status: criteria provided, single submitter. Criteria: GeneDx Variant Classification Process June 2021. Collection method: clinical testing. Allele origin: germline.
Comment: Not observed at significant frequency in large population cohorts (gnomAD); In silico analysis supports that this missense variant has a deleterious effect on protein structure/function; This variant is associated with the following publications: (PMID: 28215227, 26669242, 24698406, 27389722, 30191644, 33532864, 37799485, 17924661, 36028781, 39500653, 40853921)

Labcorp Genetics (formerly Invitae), Labcorp
Classification: Uncertain significance. Last evaluated: 2026-01-20. Review status: criteria provided, single submitter. Criteria: Invitae Variant Classification Sherloc (09022015). Collection method: clinical testing. Allele origin: germline.
Comment: This sequence change replaces arginine, which is basic and polar, with tryptophan, which is neutral and slightly polar, at codon 235 of the HNF1B protein (p.Arg235Trp). This variant is not present in population databases (gnomAD no frequency). This missense change has been observed in individual(s) with clinical features of HNF1B-related conditions (PMID: 24698406, 26669242, 33532864). This variant is also known as p.Arg234Trp. ClinVar contains an entry for this variant (Variation ID: 36851). Invitae Evidence Modeling of protein sequence and biophysical properties (such as structural, functional, and spatial information, amino acid conservation, physicochemical variation, residue mobility, and thermodynamic stability) has been performed for this missense variant. However, the output from this modeling did not meet the statistical confidence thresholds required to predict the impact of this variant on HNF1B protein function. In summary, the available evidence is currently insufficient to determine the role of this variant in disease. Therefore, it has been classified as a Variant of Uncertain Significance.

Victorian Clinical Genetics Services, Murdoch Childrens Research Institute
Classification: Pathogenic for Renal cysts and diabetes syndrome. Last evaluated: 2025-11-27. Review status: criteria provided, single submitter. Criteria: ACMG Guidelines, 2015. Collection method: clinical testing. Allele origin: germline. Affected: yes.
Comment: This variant is classified as Pathogenic. Evidence in support of pathogenic classification: Variant is present in gnomAD <0.001 for a dominant condition (v4: 1 heterozygote(s), 0 homozygote(s)); This variant has strong previous evidence of pathogenicity in unrelated individuals. This variant has been classified as likely pathogenic and as a VUS by clinical laboratories in ClinVar. It has also been reported in the literature in multiple individuals with HNF1B-related features (PMIDs: 26669242, 33532864, 37799485, 24698406, 27389722, 40853921); Another missense variant(s) comparable to the one identified in this case has moderate previous evidence for pathogenicity. p.(Arg235Gln) has been classified as likely pathogenic and as a VUS by clinical laboratories in ClinVar, and reported in the literature in individuals with MODY (PMIDs: 36294752, 35733065); Missense variant predicted to be damaging by in silico tool(s) or highly conserved with a major amino acid change. Additional information: Variant is predicted to result in a missense amino acid change from Arg to Trp; This variant is heterozygous; This gene is associated with autosomal dominant disease; Alternative amino acid change(s) at the same position are present in gnomAD (highest allele count: v4: 2 heterozygote(s), 0 homozygote(s)); Variant is located in the annotated DNA-binding region (DECIPHER); Dominant negative, loss of function, and gain of function are all reported mechanisms of disease in this gene and are associated with type 2 diabetes mellitus (MIM#125853) and renal cysts and diabetes syndrome (MIM#137920; OMIM, PMIDs: 25536396, 11845238, 15509593); Variants in this gene are known to have variable expressivity. There is significant interfamilial and intrafamilial variability of HNF1B-related nephropathy (PMID: 33305128); Inheritance information for this variant is not currently available in this individual.

Laboratorio de Biologia Molecular - Genetica, Hospital de Pediatria Garrahan
Classification: Likely pathogenic for Renal cysts and diabetes syndrome. Last evaluated: 2023-07-17. Review status: criteria provided, single submitter. Criteria: ACMG Guidelines, 2015. Collection method: clinical testing. Allele origin: germline. Affected: yes. Observed: 1 variant allele.
Comment: The c.703C>T variant in the HNF1B gene is present in gnomAD with frequency <0.001 (v4: 1 heterozygote(s), 0 homozygote(s)) (PM2_supporting). This sequence change is predicted to replace arginine, which is basic and polar, with tryptophan, which is neutral and slightly polar, at codon 235 of the HNF1B protein (p.Arg235Trp). This variant has been reported in families with cases with Renal Cysts and Diabetes Syndrome (PMIDs: 26669242;24698406)(PS4_moderate). ClinVar contains an entry for this variant (Variation ID: 36851) with conflicting classifications of pathogenicity. This variant is predicted to be deleterious by computational evidence with a Revel score of 0.98 (PP3). Another missense variant as p.(Arg235Gln) has been classified as likely pathogenic and as a VUS by clinical laboratories in ClinVar, and reported in the literature in individuals with MODY (PMIDs: 36294752;35733065) (PM5). Based on the available evidence, the c.703C>T variant is classified as Likely Pathogenic.

Athena Diagnostics
Classification: Uncertain significance. Last evaluated: 2022-12-13. Review status: criteria provided, single submitter. Criteria: Athena Diagnostics Criteria. Collection method: clinical testing. Allele origin: unknown.
Comment: Available data are insufficient to determine the clinical significance of the variant at this time. This variant has been identified in at least one individual with clinical features associated with this gene. This variant has not been reported in large, multi-ethnic general populations. The variant is located in a region that is considered important for protein function and/or structure.

Cardiovascular Genetics Laboratory, PathWest Laboratory Medicine WA - Fiona Stanley Hospital
Classification: Likely pathogenic for Renal cysts and diabetes syndrome. Last evaluated: 2021-07-30. Review status: criteria provided, single submitter. Criteria: ACMG Guidelines, 2015. Collection method: clinical testing. Allele origin: germline.

Molecular Biology Laboratory, Fundació Puigvert
Classification: Likely pathogenic for Renal cysts and diabetes syndrome. Last evaluated: 2020-02-01. Review status: criteria provided, single submitter. Criteria: ACMG Guidelines, 2015. Collection method: research. Allele origin: germline. Affected: yes. Study: KidneyPanel_2020.

Institute of Human Genetics, FAU Erlangen, Friedrich-Alexander-Universität Erlangen-Nürnberg
Classification: Likely pathogenic for Renal cysts and diabetes syndrome. Last evaluated: 2019-07-06. Review status: criteria provided, single submitter. Criteria: ACMG Guidelines, 2015. Collection method: literature only. Allele origin: germline. Affected: yes.
Comment: This variant and it's classification has been reported by Vasileiou et al. 2019; DOI:10.1101/576918. The variants has previously been reported in ClinVar:36851; PMID:26669242 as "NM_000458.3(HNF1B):c.703C>T (p.Arg235Trp); c.703C>T (p.R235W)" with clinical significance Likely pathogenic; Pathogenic. It has been re-classified using InterVar and manual curation as Likely pathogenic based on PM1 PM2 PM5 PP3 PP5.

Women's Health and Genetics/Laboratory Corporation of America, LabCorp
Classification: Likely pathogenic for MODY5. Last evaluated: 2011-08-18. Review status: criteria provided, single submitter. Criteria: LabCorp Variant Classification Summary - May 2015. Collection method: curation, clinical testing. Allele origin: germline. Inheritance: autosomal unknown. Affected: yes.
ClinVar note: Converted during submission from likely pathogenic to Likely pathogenic.

Literature cited by the submitters: PubMed 24698406 (cited by 4 submitters); PubMed 26669242 (cited by 5 submitters); PubMed 33532864 (cited by 4 submitters); PubMed 27389722 (cited by Victorian Clinical Genetics Services, Murdoch Childrens Research Institute); PubMed 40853921 (cited by Victorian Clinical Genetics Services, Murdoch Childrens Research Institute); PubMed 33305128 (cited by Victorian Clinical Genetics Services, Murdoch Childrens Research Institute); PubMed 37799485 (cited by Victorian Clinical Genetics Services, Murdoch Childrens Research Institute); PubMed 15509593 (cited by Victorian Clinical Genetics Services, Murdoch Childrens Research Institute); PubMed 36294752 (cited by Victorian Clinical Genetics Services, Murdoch Childrens Research Institute); PubMed 25536396 (cited by Victorian Clinical Genetics Services, Murdoch Childrens Research Institute); PubMed 35733065 (cited by Victorian Clinical Genetics Services, Murdoch Childrens Research Institute); PubMed 11845238 (cited by Victorian Clinical Genetics Services, Murdoch Childrens Research Institute); PubMed 30191644 (cited by Athena Diagnostics); DOI 10.1101/576918 (cited by Institute of Human Genetics, FAU Erlangen, Friedrich-Alexander-Universität Erlangen-Nürnberg).

NM_000458.4(HNF1B):c.703C>T (p.Arg235Trp)

Genes: HNF1B (HNF1 homeobox B; minus strand), LOC126862549 (BRD4-independent group 4 enhancer GRCh37_chr17:36093401-36094600; plus strand). Cytogenetic location: 17q12.
Variant type: single nucleotide variant.
Coding change: c.703C>T on transcript NM_000458.4 (MANE Select); coding-DNA position 703, C replaced by T.
Protein change: p.Arg235Trp; replaces arginine 235 with tryptophan.
Molecular consequence: missense variant.
Genome position (GRCh38, 1-based): chr17:37,733,663, G>A on the plus strand (C>T on the coding strand, the complement: HNF1B is on the minus strand). VCF-style: chr17-37733663-G-A. GRCh37 (hg19) VCF-style: chr17-36093656-G-A.
Other names: c.625C>T, p.Arg209Trp (NM_001165923.4, NM_001304286.2); short protein forms R235W, R209W.
Identifiers: ClinVar variation 36851 (VCV000036851.19), dbSNP rs193922491, ClinGen allele CA214363.